The following is an entry in ClinVar:

NM_001267550.2(TTN):c.101422T>C (p.Ser33808Pro)

Genes: TTN (titin; minus strand), TTN-AS1 (TTN antisense RNA 1; plus strand). Cytogenetic location: 2q31.2.
Variant type: single nucleotide variant.
Coding change: c.101422T>C on transcript NM_001267550.2 (MANE Select); coding-DNA position 101422, T replaced by C.
Protein change: p.Ser33808Pro; replaces serine 33808 with proline.
Molecular consequence: missense variant.
Genome position (GRCh38, 1-based): chr2:178,535,193, A>G on the plus strand (T>C on the coding strand, the complement: TTN is on the minus strand). VCF-style: chr2-178535193-A-G. GRCh37 (hg19) VCF-style: chr2-179399920-A-G.
Other names: p.Ser32167Pro; c.96499T>C, p.Ser32167Pro (NM_001256850.1); c.74227T>C, p.Ser24743Pro (NM_003319.4); c.93718T>C, p.Ser31240Pro (NM_133378.4); c.74602T>C, p.Ser24868Pro (NM_133432.3); c.74803T>C, p.Ser24935Pro (NM_133437.4); short protein forms S24743P, S32167P, S24868P, S24935P, S33808P, S31240P.
Identifiers: ClinVar variation 4540698 (VCV004540698.1).
Genomic context (GRCh38, chr2:178,535,193, plus strand): 5'-CACGCCCAAGATCTTCAGCAATCATATATTTCTCATAGAGTTCCTTGGTTGAAGAGTGAG[A>G]TGCTTTAGTCATGGAGACTTCCCTGGTTTCATCTACCTCTTCATCATAGTTCATAGCTCT-3'
Protein context (NP_001254479.2, residues 33798-33818): ETREVSMTKA[Ser33808Pro]HSSTKELYEK

ClinVar aggregate classification (germline): Uncertain significance (1 of 4 stars; one submission).

gnomAD v4.1: 2 of 1,613,924 alleles (0.00012%); highest among the groups gnomAD compares: Admixed American, 0.0033%; no homozygotes.

Submission:

Mayo Clinic Laboratories, Mayo Clinic
Classification: Uncertain significance. Last evaluated: 2025-01-30. Review status: criteria provided, single submitter. Criteria: ACMG Guidelines, 2015. Collection method: clinical testing. Allele origin: germline. Observed: 1 variant allele.
Comment: BP4, PM2_supporting